The following is an entry in ClinVar:

ClinVar aggregate classification (germline): Likely benign. Review status: criteria provided, multiple submitters, no conflicts (2 of 4 stars). 5 submissions from 5 submitters: Likely benign (4). 1 of the submissions does not count toward it. Last evaluated 2026-01-15.

Conditions:
DHX37-related disorder. Also called: DHX37-related condition; DHX37-Related Disorders.

Allele frequency attached by ClinVar (database versions not stated): 1000 Genomes Project 30x 0.00031; 1000 Genomes Project 0.00040; TOPMed 0.00193; gnomAD 0.00210 and 0.00222; ESP Exome Variant Server 0.00223; gnomAD exomes 0.00232 and 0.00270; ExAC 0.00296.
gnomAD v4.1: 4,202 of 1,592,318 alleles (0.26%); highest among the groups gnomAD compares: Non-Finnish European, 0.31%; 14 homozygotes.

Submissions (8):

Labcorp Genetics (formerly Invitae), Labcorp
Classification: Likely benign. Last evaluated: 2026-01-15. Review status: criteria provided, single submitter. Criteria: Invitae Variant Classification Sherloc (09022015). Collection method: clinical testing. Allele origin: germline.

Blueprint Genetics
Classification: Likely benign. Last evaluated: 2024-11-05. Review status: criteria provided, single submitter. Criteria: ACMG Guidelines, 2015. Collection method: clinical testing. Allele origin: germline.

CeGaT Center for Human Genetics Tuebingen
Classification: Likely benign. Last evaluated: 2022-02-01. Review status: criteria provided, single submitter. Criteria: CeGaT Center For Human Genetics Tuebingen Variant Classification Criteria Version 2. Collection method: clinical testing. Allele origin: germline. Affected: yes. Observed: 1 variant allele.

Breakthrough Genomics
Classification: Likely benign. Review status: criteria provided, single submitter. Criteria: ACMG Guidelines, 2015. Collection method: not provided. Allele origin: germline. Inheritance: Autosomal recessive inheritance. Affected: yes.

PreventionGenetics, part of Exact Sciences
Classification: Likely benign for DHX37-related condition. Last evaluated: 2022-04-20. Review status: no assertion criteria provided. Collection method: clinical testing. Allele origin: germline. Not counted in ClinVar's aggregate classification.
Comment: This variant is classified as likely benign based on ACMG/AMP sequence variant interpretation guidelines (Richards et al. 2015 PMID: 25741868, with internal and published modifications).

Dr. Peter K. Rogan Lab, Western University
No classification provided (evidence only). Condition: Glioma susceptibility 1. Review status: no classification provided. Collection method: in vitro. Allele origin: not applicable. Functional consequence: retained intron. Not counted in ClinVar's aggregate classification.

Dr. Peter K. Rogan Lab, Western University
No classification provided (evidence only). Condition: Ovarian serous cystadenocarcinoma. Review status: no classification provided. Collection method: in vitro. Allele origin: not applicable. Functional consequence: retained intron. Not counted in ClinVar's aggregate classification.

Dr. Peter K. Rogan Lab, Western University
No classification provided (evidence only). Condition: Uveal melanoma. Review status: no classification provided. Collection method: in vitro. Allele origin: not applicable. Functional consequence: retained intron. Not counted in ClinVar's aggregate classification.

NM_032656.4(DHX37):c.3092G>A (p.Arg1031Gln)

Gene: DHX37 (DEAH-box helicase 37; minus strand). Cytogenetic location: 12q24.31.
Variant type: single nucleotide variant.
Coding change: c.3092G>A on transcript NM_032656.4 (MANE Select); coding-DNA position 3092, G replaced by A.
Protein change: p.Arg1031Gln; replaces arginine 1031 with glutamine.
Molecular consequence: missense variant.
Genome position (GRCh38, 1-based): chr12:124,950,442, C>T on the plus strand (G>A on the coding strand, the complement: DHX37 is on the minus strand). VCF-style: chr12-124950442-C-T. GRCh37 (hg19) VCF-style: chr12-125434988-C-T.
Other names: c.3092G>A (NM_032656.3); short protein forms R1031Q.
Identifiers: ClinVar variation 1675520 (VCV001675520.42), dbSNP rs146274723, ClinGen allele CA6871367.